The following is an entry in ClinVar:

NM_001029883.3(PCARE):c.349A>G (p.Lys117Glu)

Gene: PCARE (photoreceptor cilium actin regulator; minus strand). Cytogenetic location: 2p23.2.
Variant type: single nucleotide variant.
Coding change: c.349A>G on transcript NM_001029883.3 (MANE Select); coding-DNA position 349, A replaced by G.
Protein change: p.Lys117Glu; replaces lysine 117 with glutamic acid.
Molecular consequence: missense variant.
Genome position (GRCh38, 1-based): chr2:29,073,913, T>C on the plus strand (A>G on the coding strand, the complement: PCARE is on the minus strand). VCF-style: chr2-29073913-T-C. GRCh37 (hg19) VCF-style: chr2-29296779-T-C.
Other names: short protein forms K117E.
Identifiers: ClinVar variation 2006174 (VCV002006174.4), dbSNP rs777334143, ClinGen allele CA1592669.

ClinVar aggregate classification (germline): Uncertain significance (1 of 4 stars; one submission).

Allele frequency attached by ClinVar (database versions not stated): ExAC 0.00002.
gnomAD v4.1: 4 of 1,614,268 alleles (0.00025%); highest among the groups gnomAD compares: Non-Finnish European, 0.00025%; no homozygotes.

Submission:

Labcorp Genetics (formerly Invitae), Labcorp
Classification: Uncertain significance. Last evaluated: 2022-06-14. Review status: criteria provided, single submitter. Criteria: Invitae Variant Classification Sherloc (09022015). Collection method: clinical testing. Allele origin: germline.
Comment: This sequence change replaces lysine, which is basic and polar, with glutamic acid, which is acidic and polar, at codon 117 of the PCARE protein (p.Lys117Glu). In summary, the available evidence is currently insufficient to determine the role of this variant in disease. Therefore, it has been classified as a Variant of Uncertain Significance. Algorithms developed to predict the effect of missense changes on protein structure and function output the following: SIFT: "Deleterious"; PolyPhen-2: "Benign"; Align-GVGD: "Class C15". The glutamic acid amino acid residue is found in multiple mammalian species, which suggests that this missense change does not adversely affect protein function. This variant has not been reported in the literature in individuals affected with PCARE-related conditions. This variant is present in population databases (rs777334143, gnomAD 0.003%).